The following is an entry in ClinVar:

ClinVar aggregate classification (germline): Likely pathogenic. Review status: criteria provided, multiple submitters, no conflicts (2 of 4 stars). 2 submissions from 2 submitters: Likely pathogenic (2). Last evaluated 2024-01-18.

Conditions:
Bardet-Biedl syndrome (BBS). Identifiers: Orphanet 110, MedGen C0752166, MONDO:0015229.
Bardet-Biedl syndrome 1 (BBS1). Identifiers: MedGen C2936862, MONDO:0008854, OMIM 209900. Disease mechanism: loss of function.

gnomAD v4.1: 2 of 1,613,034 alleles (0.00012%); highest among the groups gnomAD compares: Non-Finnish European, 0.00017%; no homozygotes.

Submissions (2):

Labcorp Genetics (formerly Invitae), Labcorp
Classification: Likely pathogenic for Bardet-Biedl syndrome. Last evaluated: 2024-01-18. Review status: criteria provided, single submitter. Criteria: Invitae Variant Classification Sherloc (09022015). Collection method: clinical testing. Allele origin: germline.
Comment: This sequence change affects a donor splice site in intron 8 of the BBS1 gene. It is expected to disrupt RNA splicing. Variants that disrupt the donor or acceptor splice site typically lead to a loss of protein function (PMID: 16199547), and loss-of-function variants in BBS1 are known to be pathogenic (PMID: 12118255, 21520335, 27032803). This variant is not present in population databases (gnomAD no frequency). This variant has not been reported in the literature in individuals affected with BBS1-related conditions. Algorithms developed to predict the effect of sequence changes on RNA splicing suggest that this variant may disrupt the consensus splice site. In summary, the currently available evidence indicates that the variant is pathogenic, but additional data are needed to prove that conclusively. Therefore, this variant has been classified as Likely Pathogenic.

Baylor Genetics
Classification: Likely pathogenic for Bardet-Biedl syndrome 1. Last evaluated: 2023-05-16. Review status: criteria provided, single submitter. Criteria: ACMG Guidelines, 2015. Collection method: clinical testing. Allele origin: unknown.

Literature cited by the submitters: PubMed 16199547 (cited by Labcorp Genetics (formerly Invitae), Labcorp); PubMed 12118255 (cited by Labcorp Genetics (formerly Invitae), Labcorp); PubMed 21520335 (cited by Labcorp Genetics (formerly Invitae), Labcorp); PubMed 27032803 (cited by Labcorp Genetics (formerly Invitae), Labcorp).

NM_024649.5(BBS1):c.723+1G>A

Gene: BBS1 (Bardet-Biedl syndrome 1; plus strand). Cytogenetic location: 11q13.2.
Variant type: single nucleotide variant.
Coding change: c.723+1G>A on transcript NM_024649.5 (MANE Select); the canonical splice donor site of the intron after coding-DNA position 723, G replaced by A.
Molecular consequence: splice donor variant.
Genome position (GRCh38, 1-based): chr11:66,519,749, G>A. VCF-style: chr11-66519749-G-A. GRCh37 (hg19) VCF-style: chr11-66287220-G-A.
Identifiers: ClinVar variation 2679953 (VCV002679953.4), dbSNP rs1295318869, ClinGen allele CA381459059.
Genomic context (GRCh38, chr11:66,519,749, plus strand): 5'-GGCACCGAGAACAAGGAGCTCCTGGTGCTTGACCCCGAGGCCTTCACCATTTTAGCCAAG[G>A]TCAGCGTCAGGTCTGGCCCTGGGCCCGCTGGAGGCCCAGGCTGCATTCTCTCCCCATGCT-3'